The following is an entry in ClinVar:

NM_000152.5(GAA):c.2636T>C (p.Leu879Pro)

Gene: GAA (alpha glucosidase; plus strand). Cytogenetic location: 17q25.3.
Variant type: single nucleotide variant.
Coding change: c.2636T>C on transcript NM_000152.5 (MANE Select); coding-DNA position 2636, T replaced by C.
Protein change: p.Leu879Pro; replaces leucine 879 with proline.
Molecular consequence: missense variant.
Genome position (GRCh38, 1-based): chr17:80,118,347, T>C. VCF-style: chr17-80118347-T-C. GRCh37 (hg19) VCF-style: chr17-78092146-T-C.
Other names: c.2636T>C, p.Leu879Pro (NM_001079803.3, NM_001079804.3, NM_001406741.1 and 1 more transcripts); short protein forms L879P.
Identifiers: ClinVar variation 4876598 (VCV004876598.1).

ClinVar aggregate classification (germline): Uncertain significance (1 of 4 stars; one submission).

Conditions:
Glycogen storage disease, type II (IOPD). Also called: Pompe Disease; CARDIOMEGALIA GLYCOGENICA DIFFUSA; GLYCOGENOSIS, GENERALIZED, CARDIAC FORM; GSD II; POMPE DISEASE, INFANTILE-ONSET; GLYCOGEN STORAGE DISEASE II, INFANTILE-ONSET. Identifiers: Orphanet 365, MedGen C0017921, MONDO:0009290, OMIM 232300.

gnomAD v4.1: 1 of 1,562,034 alleles (0.000064%); highest among the groups gnomAD compares: South Asian, 0.0012%; no homozygotes.

Submission:

Genomenon, Inc
Classification: Uncertain significance for Glycogen storage disease, type II. Last evaluated: 2026-07-01. Review status: criteria provided, single submitter. Criteria: Genomenon Sequence Variant Interpretation Standards - Updated. Collection method: curation. Allele origin: germline. Affected: yes.
Comment: GAA p.Leu879Pro (c.2636T>C) is a missense variant that changes the amino acid at codon 879 from Leucine to Proline. This variant has been observed in at least one proband with a GAA-related disorder in the compound heterozygous and/or homozygous state (PMID:31606152;33301762). It is absent or not present at a significant frequency in gnomAD. In conclusion, we classify GAA p.Leu879Pro (c.2636T>C) as a variant of uncertain significance.

Literature cited by the submitters: PubMed 31606152; PubMed 33301762.